The following is an entry in ClinVar:

ClinVar aggregate classification (germline): Uncertain significance (1 of 4 stars; one submission).

Allele frequency attached by ClinVar (database versions not stated): ExAC 0.00001.

Submission:

Labcorp Genetics (formerly Invitae), Labcorp
Classification: Uncertain significance. Last evaluated: 2022-08-23. Review status: criteria provided, single submitter. Criteria: Invitae Variant Classification Sherloc (09022015). Collection method: clinical testing. Allele origin: germline.
Comment: This variant is present in population databases (rs769443060, gnomAD 0.0009%). This sequence change replaces lysine, which is basic and polar, with arginine, which is basic and polar, at codon 1409 of the RAI1 protein (p.Lys1409Arg). This variant has not been reported in the literature in individuals affected with RAI1-related conditions. In summary, the available evidence is currently insufficient to determine the role of this variant in disease. Therefore, it has been classified as a Variant of Uncertain Significance. Algorithms developed to predict the effect of missense changes on protein structure and function (SIFT, PolyPhen-2, Align-GVGD) all suggest that this variant is likely to be disruptive.

NM_030665.4(RAI1):c.4226A>G (p.Lys1409Arg)

Gene: RAI1 (retinoic acid induced 1; plus strand). Cytogenetic location: 17p11.2.
Variant type: single nucleotide variant.
Coding change: c.4226A>G on transcript NM_030665.4 (MANE Select); coding-DNA position 4226, A replaced by G.
Protein change: p.Lys1409Arg; replaces lysine 1409 with arginine.
Molecular consequence: missense variant.
Genome position (GRCh38, 1-based): chr17:17,797,174, A>G. VCF-style: chr17-17797174-A-G. GRCh37 (hg19) VCF-style: chr17-17700488-A-G.
Other names: short protein forms K1409R.
Identifiers: ClinVar variation 2128521 (VCV002128521.4), dbSNP rs769443060, ClinGen allele CA8418909.